The following is an entry in ClinVar:

NM_024426.6(WT1):c.874A>G (p.Thr292Ala)

Gene: WT1 (WT1 transcription factor; minus strand). Cytogenetic location: 11p13.
Variant type: single nucleotide variant.
Coding change: c.874A>G on transcript NM_024426.6 (MANE Select); coding-DNA position 874, A replaced by G.
Protein change: p.Thr292Ala; replaces threonine 292 with alanine.
Molecular consequence: missense variant. On other transcripts: non-coding transcript variant (1).
Genome position (GRCh38, 1-based): chr11:32,427,969, T>C on the plus strand (A>G on the coding strand, the complement: WT1 is on the minus strand). VCF-style: chr11-32427969-T-C. GRCh37 (hg19) VCF-style: chr11-32449515-T-C.
Other names: c.874A>G, p.Thr292Ala (NM_000378.6, NM_001407044.1, NM_001407045.1 and 4 more transcripts); c.223A>G, p.Thr75Ala (NM_001198551.2, NM_001198552.2); c.751A>G, p.Thr251Ala (NM_001407047.1, NM_001407050.1); c.112A>G, p.Thr38Ala (NM_001407051.1); c.859A>G, p.Thr287Ala (NM_024425.2); short protein forms T292A, T75A, T38A, T251A, T287A.
Identifiers: ClinVar variation 946559 (VCV000946559.11), dbSNP rs1853114494, ClinGen allele CA379962828.

ClinVar aggregate classification (germline): Uncertain significance (1 of 4 stars; one submission).

Conditions:
Frasier syndrome. Identifiers: Orphanet 347, MedGen C0950122, MeSH D052159, MONDO:0007635, OMIM 136680.
Drash syndrome (DDS). Also called: NEPHROPATHY, WILMS TUMOR, AND GENITAL ANOMALIES; WILMS TUMOR AND PSEUDO- OR TRUE HERMAPHRODITISM. Identifiers: Orphanet 220, MedGen C0950121, MONDO:0008682, OMIM 194080.
Wilms tumor 1 (WT1). Also called: Wilms tumor, somatic. Identifiers: Orphanet 654, MedGen CN033288, MONDO:0008679, OMIM 194070.
11p partial monosomy syndrome (WAGR). Also called: WAGR Complex; WAGR syndrome; WAGR Spectrum Disorder; CHROMOSOME 11p13 DELETION SYNDROME. Identifiers: Orphanet 893, MedGen C0206115, MONDO:0008681, OMIM 194072.

Submission:

Labcorp Genetics (formerly Invitae), Labcorp
Classification: Uncertain significance for Wilms tumor 1; Drash syndrome; 11p partial monosomy syndrome; Frasier syndrome. Last evaluated: 2019-04-18. Review status: criteria provided, single submitter. Criteria: Invitae Variant Classification Sherloc (09022015). Collection method: clinical testing. Allele origin: germline.
Comment: This variant is not present in population databases (ExAC no frequency). This sequence change replaces threonine with alanine at codon 287 of the WT1 protein (p.Thr287Ala). The threonine residue is highly conserved and there is a small physicochemical difference between threonine and alanine. This variant has not been reported in the literature in individuals with WT1-related conditions. In summary, the available evidence is currently insufficient to determine the role of this variant in disease. Therefore, it has been classified as a Variant of Uncertain Significance. Algorithms developed to predict the effect of missense changes on protein structure and function are either unavailable or do not agree on the potential impact of this missense change (SIFT: "Deleterious"; PolyPhen-2: "Benign"; Align-GVGD: "Class C0").